The following is an entry in ClinVar:

NM_003466.4(PAX8):c.1280C>T (p.Ser427Phe)

Gene: PAX8 (paired box 8; minus strand). Cytogenetic location: 2q14.1.
Variant type: single nucleotide variant.
Coding change: c.1280C>T on transcript NM_003466.4 (MANE Select); coding-DNA position 1280, C replaced by T.
Protein change: p.Ser427Phe; replaces serine 427 with phenylalanine.
Molecular consequence: missense variant. On other transcripts: 3 prime UTR variant (3).
Genome position (GRCh38, 1-based): chr2:113,218,606, G>A on the plus strand (C>T on the coding strand, the complement: PAX8 is on the minus strand). VCF-style: chr2-113218606-G-A. GRCh37 (hg19) VCF-style: chr2-113976183-G-A.
Other names: c.*4C>T (NM_013952.4, NM_013953.4, NM_013992.4); short protein forms S427F.
Identifiers: ClinVar variation 451049 (VCV000451049.3), dbSNP rs1305878191, ClinGen allele CA348312425.

ClinVar aggregate classification (germline): Uncertain significance. Review status: criteria provided, multiple submitters, no conflicts (2 of 4 stars). 2 submissions from 2 submitters: Uncertain significance (2). Last evaluated 2024-03-26.

Conditions:
Inborn genetic diseases. Identifiers: MedGen C0950123, MeSH D030342.

Submissions (2):

Ambry Genetics
Classification: Uncertain significance for Inborn genetic diseases. Last evaluated: 2024-03-26. Review status: criteria provided, single submitter. Criteria: Ambry Variant Classification Scheme 2023. Collection method: clinical testing. Allele origin: germline.

GeneDx
Classification: Uncertain significance. Last evaluated: 2017-08-11. Review status: criteria provided, single submitter. Criteria: GeneDx Variant Classification (06012015). Collection method: clinical testing. Allele origin: germline. Affected: yes.
Comment: The S427F variant in the PAX8 gene has not been reported previously as a pathogenic variant, nor as a benign variant, to our knowledge. The S427F variant is not observed in large population cohorts (Lek et al., 2016; 1000 Genomes Consortium et al., 2015; Exome Variant Server). The S427F variant is a non-conservative amino acid substitution, which is likely to impact secondary protein structure as these residues differ in polarity, charge, size and/or other properties. This substitution occurs at a position that is conserved across species. In silico analysis predicts this variant is probably damaging to the protein structure/function. We interpret S427F as a variant of uncertain significance